The following is an entry in ClinVar:

NM_000135.4(FANCA):c.1084-1G>A

Gene: FANCA (FA complementation group A; minus strand). Cytogenetic location: 16q24.3.
Variant type: single nucleotide variant.
Coding change: c.1084-1G>A on transcript NM_000135.4 (MANE Select); the canonical splice acceptor site of the intron before coding-DNA position 1084, G replaced by A.
Molecular consequence: splice acceptor variant.
Genome position (GRCh38, 1-based): chr16:89,792,069, C>T on the plus strand (G>A on the coding strand, the complement: FANCA is on the minus strand). VCF-style: chr16-89792069-C-T. GRCh37 (hg19) VCF-style: chr16-89858477-C-T.
Other names: c.1084-1G>A (NM_001286167.3).
Identifiers: ClinVar variation 959102 (VCV000959102.10), dbSNP rs2040094761, ClinGen allele CA397466436.
Genomic context (GRCh38, chr16:89,792,069, plus strand): 5'-CGTTTCCAGAACTTCTTGCAAATGGCCAACCAACTCCTCTGCACTCAGCATCACAAAGAG[C>T]TGAAATAAAAGCATCCGCTCCCTTCAATATCCAAGCAAACCAATGTGCGACAGATGACCC-3'

ClinVar aggregate classification (germline): Pathogenic (1 of 4 stars; one submission).

Conditions:
Fanconi anemia (FA). Also called: Fanconi's anemia. Identifiers: Orphanet 84, MedGen C0015625, MeSH D005199, MONDO:0019391.

Submission:

Labcorp Genetics (formerly Invitae), Labcorp
Classification: Pathogenic for Fanconi anemia. Last evaluated: 2019-11-11. Review status: criteria provided, single submitter. Criteria: Invitae Variant Classification Sherloc (09022015). Collection method: clinical testing. Allele origin: germline.
Comment: For these reasons, this variant has been classified as Pathogenic. Donor and acceptor splice site variants typically lead to a loss of protein function (PMID: 16199547), and loss-of-function variants in FANCA are known to be pathogenic (PMID: 19367192). Algorithms developed to predict the effect of sequence changes on RNA splicing suggest that this variant may disrupt the consensus splice site, but this prediction has not been confirmed by published transcriptional studies. This variant has been observed in individual(s) with Fanconi anemia (PMID: 29098742). In at least one individual the data is consistent with the variant being in trans (on the opposite chromosome) from a pathogenic variant. This variant is not present in population databases (ExAC no frequency). This sequence change affects an acceptor splice site in intron 12 of the FANCA gene. It is expected to disrupt RNA splicing and likely results in an absent or disrupted protein product.

Literature cited by the submitters: PubMed 16199547; PubMed 19367192; PubMed 29098742.